The following is an entry in ClinVar:

ClinVar aggregate classification (germline): Likely benign. Review status: criteria provided, multiple submitters, no conflicts (2 of 4 stars). 5 submissions from 5 submitters: Likely benign (4). 1 of the submissions does not count toward it. Last evaluated 2026-04-01.

Conditions:
SCAPER-related disorder. Also called: SCAPER-related condition.

Allele frequency attached by ClinVar (database versions not stated): 1000 Genomes Project 30x 0.00031; 1000 Genomes Project 0.00040; gnomAD exomes 0.00197 and 0.00342; gnomAD 0.00198 and 0.00204; TOPMed 0.00205; ESP Exome Variant Server 0.00302; ExAC 0.00353.
gnomAD v4.1: 5,315 of 1,601,778 alleles (0.33%); highest among the groups gnomAD compares: Non-Finnish European, 0.41%; 11 homozygotes.

Submissions (5):

CeGaT Center for Human Genetics Tuebingen
Classification: Likely benign. Last evaluated: 2026-04-01. Review status: criteria provided, single submitter. Criteria: CeGaT Center For Human Genetics Tuebingen Variant Classification Criteria Version 2. Collection method: clinical testing. Allele origin: germline. Affected: yes. Observed: 1 variant allele.
Comment: SCAPER: BS2

Blueprint Genetics
Classification: Likely benign. Last evaluated: 2024-11-19. Review status: criteria provided, single submitter. Criteria: ACMG Guidelines, 2015. Collection method: clinical testing. Allele origin: germline.

Labcorp Genetics (formerly Invitae), Labcorp
Classification: Likely benign. Last evaluated: 2019-12-31. Review status: criteria provided, single submitter. Criteria: Invitae Variant Classification Sherloc (09022015). Collection method: clinical testing. Allele origin: germline.

Breakthrough Genomics
Classification: Likely benign. Review status: criteria provided, single submitter. Criteria: ACMG Guidelines, 2015. Collection method: not provided. Allele origin: germline. Inheritance: Autosomal recessive inheritance. Affected: yes.

PreventionGenetics, part of Exact Sciences
Classification: Likely benign for SCAPER-related condition. Last evaluated: 2024-03-12. Review status: no assertion criteria provided. Collection method: clinical testing. Allele origin: germline. Not counted in ClinVar's aggregate classification.
Comment: This variant is classified as likely benign based on ACMG/AMP sequence variant interpretation guidelines (Richards et al. 2015 PMID: 25741868, with internal and published modifications).

NM_020843.4(SCAPER):c.3496C>G (p.Gln1166Glu)

Gene: SCAPER (S-phase cyclin A associated protein in the ER; minus strand). Cytogenetic location: 15q24.3.
Variant type: single nucleotide variant.
Coding change: c.3496C>G on transcript NM_020843.4 (MANE Select); coding-DNA position 3496, C replaced by G.
Protein change: p.Gln1166Glu; replaces glutamine 1166 with glutamic acid.
Molecular consequence: missense variant. On other transcripts: non-coding transcript variant (1).
Genome position (GRCh38, 1-based): chr15:76,381,587, G>C on the plus strand (C>G on the coding strand, the complement: SCAPER is on the minus strand). VCF-style: chr15-76381587-G-C. GRCh37 (hg19) VCF-style: chr15-76673928-G-C.
Other names: c.3514C>G (NM_001353009.1); c.2758C>G, p.Gln920Glu (NM_001145923.2); c.3514C>G, p.Gln1172Glu (NM_001353009.2); c.3094C>G, p.Gln1032Glu (NM_001353010.2, NM_001353012.2); c.3112C>G, p.Gln1038Glu (NM_001353011.2); short protein forms Q1166E, Q1038E, Q1032E, Q920E, Q1172E.
Identifiers: ClinVar variation 789223 (VCV000789223.10), dbSNP rs138813553, ClinGen allele CA7674413.